The following is an entry in ClinVar:

NM_006231.4(POLE):c.3199C>T (p.Gln1067Ter)

Gene: POLE (DNA polymerase epsilon, catalytic subunit; minus strand). Cytogenetic location: 12q24.33.
Variant type: single nucleotide variant.
Coding change: c.3199C>T on transcript NM_006231.4 (MANE Select); coding-DNA position 3199, C replaced by T.
Protein change: p.Gln1067Ter; replaces glutamine 1067 with a stop codon.
Molecular consequence: nonsense.
Genome position (GRCh38, 1-based): chr12:132,659,371, G>A on the plus strand (C>T on the coding strand, the complement: POLE is on the minus strand). VCF-style: chr12-132659371-G-A. GRCh37 (hg19) VCF-style: chr12-133235957-G-A.
Other names: c.3199C>T (NM_006231.2); short protein forms Q1067*.
Identifiers: ClinVar variation 1477228 (VCV001477228.7), dbSNP rs2138675835, ClinGen allele CA387390580.

ClinVar aggregate classification (germline): Conflicting classifications of pathogenicity. Review status: criteria provided, conflicting classifications (1 of 4 stars). 2 submissions from 2 submitters: Pathogenic (1); Uncertain significance (1). Last evaluated 2026-07-23.

Conditions:
Hereditary cancer-predisposing syndrome. Also called: Hereditary Cancer Syndrome; Tumor predisposition; Neoplastic Syndromes, Hereditary; Hereditary neoplastic syndrome. Identifiers: Orphanet 140162, MedGen C0027672, MeSH D009386, MONDO:0015356.

Allele frequency attached by ClinVar (database versions not stated): gnomAD exomes below 0.00001.
gnomAD v4.1: 1 of 1,614,228 alleles (0.000062%); highest among the groups gnomAD compares: Non-Finnish European, 0.000085%; no homozygotes.

Submissions (2):

Ambry Genetics
Classification: Uncertain significance for Hereditary cancer-predisposing syndrome. Last evaluated: 2026-07-23. Review status: criteria provided, single submitter. Criteria: Ambry Variant Classification Scheme 2023. Collection method: clinical testing. Allele origin: germline.
Comment: The p.Q1067* variant (also known as c.3199C>T), located in coding exon 26 of the POLE gene, results from a C to T substitution at nucleotide position 3199. This changes the amino acid from a glutamine to a stop codon within coding exon 26. This alteration is expected to result in loss of function by premature protein truncation or nonsense-mediated mRNA decay. Although biallelic loss of function of POLE has been associated with autosomal recessive POLE deficiency, haploinsufficiency of POLE has not been established as a mechanism of disease for POLE-related polymerase proofreading-associated polyposis (PPAP) and POLE-related CMMRD-like syndrome. Based on the supporting evidence, this variant is expected to be causative of POLE deficiency when present along with a second pathogenic variant on the other allele; however, its clinical significance for PPAP and POLE-related CMMRD-like syndrome is unclear.

Labcorp Genetics (formerly Invitae), Labcorp
Classification: Pathogenic. Last evaluated: 2022-05-11. Review status: criteria provided, single submitter. Criteria: Invitae Variant Classification Sherloc (09022015). Collection method: clinical testing. Allele origin: germline.
Comment: For these reasons, this variant has been classified as Pathogenic. This variant has not been reported in the literature in individuals affected with POLE-related conditions. This variant is not present in population databases (gnomAD no frequency). This sequence change creates a premature translational stop signal (p.Gln1067*) in the POLE gene. It is expected to result in an absent or disrupted protein product. Loss-of-function variants in POLE are known to be pathogenic (PMID: 23230001, 25948378, 30503519).

Literature cited by the submitters: PubMed 23230001 (cited by Labcorp Genetics (formerly Invitae), Labcorp); PubMed 25948378 (cited by Labcorp Genetics (formerly Invitae), Labcorp); PubMed 30503519 (cited by Labcorp Genetics (formerly Invitae), Labcorp).